The following is an entry in ClinVar:

ClinVar aggregate classification (germline): Uncertain significance (1 of 4 stars; one submission).

Conditions:
Atrial fibrillation, familial, 7 (ATFB7). Identifiers: MedGen C2677106, MONDO:0012828, OMIM 612240.

Submission:

Labcorp Genetics (formerly Invitae), Labcorp
Classification: Uncertain significance for Atrial fibrillation, familial, 7. Last evaluated: 2025-10-02. Review status: criteria provided, single submitter. Criteria: Invitae Variant Classification Sherloc (09022015). Collection method: clinical testing. Allele origin: germline.
Comment: This sequence change affects codon 67 of the KCNA5 mRNA. It is a 'silent' change, meaning that it does not change the encoded amino acid sequence of the KCNA5 protein. This variant is not present in population databases (gnomAD no frequency). This variant has not been reported in the literature in individuals affected with KCNA5-related conditions. In summary, the available evidence is currently insufficient to determine the role of this variant in disease. Therefore, it has been classified as a Variant of Uncertain Significance.

NM_002234.4(KCNA5):c.199T>C (p.Leu67=)

Gene: KCNA5 (potassium voltage-gated channel subfamily A member 5; plus strand). Cytogenetic location: 12p13.32.
Variant type: single nucleotide variant.
Coding change: c.199T>C on transcript NM_002234.4 (MANE Select); coding-DNA position 199, T replaced by C.
Protein change: p.Leu67=; no amino-acid change (leucine 67 retained).
Molecular consequence: synonymous variant.
Genome position (GRCh38, 1-based): chr12:5,044,346, T>C. VCF-style: chr12-5044346-T-C. GRCh37 (hg19) VCF-style: chr12-5153512-T-C.
Identifiers: ClinVar variation 4728345 (VCV004728345.1).